The following is an entry in ClinVar:

ClinVar aggregate classification (germline): Pathogenic (1 of 4 stars; one submission).

Conditions:
Niemann-Pick disease, type C1. Also called: NEUROVISCERAL STORAGE DISEASE WITH VERTICAL SUPRANUCLEAR OPHTHALMOPLEGIA; NIEMANN-PICK DISEASE WITH CHOLESTEROL ESTERIFICATION BLOCK; NIEMANN-PICK DISEASE, VARIANT TYPE C1; NIEMANN-PICK DISEASE WITHOUT SPHINGOMYELINASE DEFICIENCY; NIEMANN-PICK DISEASE, CHRONIC NEURONOPATHIC FORM. Identifiers: Orphanet 646, MedGen C3179455, MONDO:0009757, OMIM 257220.

Submission:

Labcorp Genetics (formerly Invitae), Labcorp
Classification: Pathogenic for Niemann-Pick disease, type C1. Last evaluated: 2023-12-12. Review status: criteria provided, single submitter. Criteria: Invitae Variant Classification Sherloc (09022015). Collection method: clinical testing. Allele origin: germline.
Comment: This sequence change creates a premature translational stop signal (p.Gln881*) in the NPC1 gene. It is expected to result in an absent or disrupted protein product. Loss-of-function variants in NPC1 are known to be pathogenic (PMID: 9211850). This variant is not present in population databases (gnomAD no frequency). This variant has not been reported in the literature in individuals affected with NPC1-related conditions. ClinVar contains an entry for this variant (Variation ID: 2020497). For these reasons, this variant has been classified as Pathogenic.

Literature cited by the submitters: PubMed 9211850.

NM_000271.5(NPC1):c.2641C>T (p.Gln881Ter)

Gene: NPC1 (NPC intracellular cholesterol transporter 1; minus strand). Cytogenetic location: 18q11.2.
Variant type: single nucleotide variant.
Coding change: c.2641C>T on transcript NM_000271.5 (MANE Select); coding-DNA position 2641, C replaced by T.
Protein change: p.Gln881Ter; replaces glutamine 881 with a stop codon.
Molecular consequence: nonsense.
Genome position (GRCh38, 1-based): chr18:23,539,965, G>A on the plus strand (C>T on the coding strand, the complement: NPC1 is on the minus strand). VCF-style: chr18-23539965-G-A. GRCh37 (hg19) VCF-style: chr18-21119929-G-A.
Other names: short protein forms Q881*.
Identifiers: ClinVar variation 2020497 (VCV002020497.4), dbSNP rs2511214388, ClinGen allele CA401792964.